The following is an entry in ClinVar:

NM_002700.3(POU4F3):c.826C>T (p.Arg276Cys)

Genes: POU4F3 (POU class 4 homeobox 3; plus strand), LOC127814297 (RBM27-POU4F3; plus strand). Cytogenetic location: 5q32.
Variant type: single nucleotide variant.
Coding change: c.826C>T on transcript NM_002700.3 (MANE Select); coding-DNA position 826, C replaced by T.
Protein change: p.Arg276Cys; replaces arginine 276 with cysteine.
Molecular consequence: missense variant. On other transcripts: 3 prime UTR variant (1).
Genome position (GRCh38, 1-based): chr5:146,340,253, C>T. VCF-style: chr5-146340253-C-T. GRCh37 (hg19) VCF-style: chr5-145719816-C-T.
Other names: c.*695C>T (NM_001414499.1); short protein forms R276C.
Identifiers: ClinVar variation 3767690 (VCV003767690.1).

ClinVar aggregate classification (germline): Uncertain significance (1 of 4 stars; one submission).

Submission:

GeneDx
Classification: Uncertain significance. Last evaluated: 2024-09-05. Review status: criteria provided, single submitter. Criteria: GeneDx Variant Classification Process June 2021. Collection method: clinical testing. Allele origin: germline. Affected: yes.
Comment: Not observed at significant frequency in large population cohorts (gnomAD); In silico analysis supports that this missense variant has a deleterious effect on protein structure/function; Has not been previously published as pathogenic or benign to our knowledge